The following is an entry in ClinVar:

ClinVar aggregate classification (germline): Uncertain significance (1 of 4 stars; one submission).

Submission:

Labcorp Genetics (formerly Invitae), Labcorp
Classification: Uncertain significance. Last evaluated: 2025-12-21. Review status: criteria provided, single submitter. Criteria: Invitae Variant Classification Sherloc (09022015). Collection method: clinical testing. Allele origin: germline.
Comment: This variant, c.524_529del, results in the deletion of 2 amino acid(s) of the IGF2 protein (p.Met175_Ala176del), but otherwise preserves the integrity of the reading frame. This variant is not present in population databases (gnomAD no frequency). This variant has not been reported in the literature in individuals affected with IGF2-related conditions. Experimental studies and prediction algorithms are not available or were not evaluated, and the functional significance of this variant is currently unknown. In summary, the available evidence is currently insufficient to determine the role of this variant in disease. Therefore, it has been classified as a Variant of Uncertain Significance.

NM_000612.6(IGF2):c.524_529del (p.Met175_Ala176del)

Genes: INS-IGF2 (INS-IGF2 readthrough; minus strand), IGF2 (insulin like growth factor 2; minus strand). Cytogenetic location: 11p15.5.
Variant type: Deletion.
Coding change: c.524_529del on transcript NM_000612.6 (MANE Select); coding-DNA positions 524 to 529, 6 bases deleted (TGGCCA; older notation c.524_529delTGGCCA).
Protein change: p.Met175_Ala176del.
Molecular consequence: inframe deletion. On other transcripts: non-coding transcript variant (1).
Genome position (GRCh38, 1-based): chr11:2,133,001-2,133,006, TGGCCA deleted on the plus strand (TGGCCA on the coding strand, the reverse complement: IGF2 is on the minus strand); deleting any 6 consecutive bases within chr11:2,133,001-2,133,007 gives the same sequence; the c. name uses the placement nearest the transcript's 3' end. VCF-style (leftmost placement, unchanged base first): chr11-2133000-CTGGCCA-C. GRCh37 (hg19) VCF-style: chr11-2154230-CTGGCCA-C.
Other names: c.524_529del, p.Met175_Ala176del (NM_001007139.6, NM_001291861.3, NM_001291862.3); c.692_697del, p.Met231_Ala232del (NM_001127598.3).
Identifiers: ClinVar variation 4733340 (VCV004733340.1).